The following is an entry in ClinVar:

ClinVar aggregate classification (germline): Uncertain significance (1 of 4 stars; one submission).

Conditions:
Norman-Roberts syndrome (LIS2). Also called: Lissencephaly 2 (Norman-Roberts type). Identifiers: Orphanet 89844, MedGen C0796089, MONDO:0009760, OMIM 257320.
Familial temporal lobe epilepsy 7. Identifiers: Orphanet 101046, MedGen C4225327, MONDO:0014639, OMIM 616436.

Submission:

Labcorp Genetics (formerly Invitae), Labcorp
Classification: Uncertain significance for Familial temporal lobe epilepsy 7; Norman-Roberts syndrome. Last evaluated: 2023-10-11. Review status: criteria provided, single submitter. Criteria: Invitae Variant Classification Sherloc (09022015). Collection method: clinical testing. Allele origin: germline.
Comment: This sequence change replaces asparagine, which is neutral and polar, with aspartic acid, which is acidic and polar, at codon 1528 of the RELN protein (p.Asn1528Asp). This variant is not present in population databases (gnomAD no frequency). This variant has not been reported in the literature in individuals affected with RELN-related conditions. Advanced modeling of protein sequence and biophysical properties (such as structural, functional, and spatial information, amino acid conservation, physicochemical variation, residue mobility, and thermodynamic stability) performed at Invitae indicates that this missense variant is not expected to disrupt RELN protein function. In summary, the available evidence is currently insufficient to determine the role of this variant in disease. Therefore, it has been classified as a Variant of Uncertain Significance.

NM_005045.4(RELN):c.4582A>G (p.Asn1528Asp)

Gene: RELN (reelin; minus strand). Cytogenetic location: 7q22.1.
Variant type: single nucleotide variant.
Coding change: c.4582A>G on transcript NM_005045.4 (MANE Select); coding-DNA position 4582, A replaced by G.
Protein change: p.Asn1528Asp; replaces asparagine 1528 with aspartic acid.
Molecular consequence: missense variant.
Genome position (GRCh38, 1-based): chr7:103,572,190, T>C on the plus strand (A>G on the coding strand, the complement: RELN is on the minus strand). VCF-style: chr7-103572190-T-C. GRCh37 (hg19) VCF-style: chr7-103212637-T-C.
Other names: c.4582A>G, p.Asn1528Asp (NM_173054.3); short protein forms N1528D.
Identifiers: ClinVar variation 2952785 (VCV002952785.3), dbSNP rs2484751962, ClinGen allele CA368749892.